The following is an entry in ClinVar:

ClinVar aggregate classification (germline): Likely benign (0 of 4 stars; one submission).

Conditions:
TALDO1-related disorder. Also called: TALDO1-related condition.

Allele frequency attached by ClinVar (database versions not stated): gnomAD exomes below 0.00001.
gnomAD v4.1: 1 of 1,614,094 alleles (0.000062%); highest among the groups gnomAD compares: Admixed American, 0.0017%; no homozygotes.

Submission:

PreventionGenetics, part of Exact Sciences
Classification: Likely benign for TALDO1-related condition. Last evaluated: 2021-05-10. Review status: no assertion criteria provided. Collection method: clinical testing. Allele origin: germline.
Comment: This variant is classified as likely benign based on ACMG/AMP sequence variant interpretation guidelines (Richards et al. 2015 PMID: 25741868, with internal and published modifications).

NM_006755.2(TALDO1):c.1014G>A (p.Ter338=)

Gene: TALDO1 (transaldolase 1; plus strand). Cytogenetic location: 11p15.5.
Variant type: single nucleotide variant.
Coding change: c.1014G>A on transcript NM_006755.2 (MANE Select); coding-DNA position 1014, G replaced by A.
Protein change: p.Ter338=.
Molecular consequence: synonymous variant.
Genome position (GRCh38, 1-based): chr11:764,845, G>A. VCF-style: chr11-764845-G-A. GRCh37 (hg19) VCF-style: chr11-764845-G-A.
Identifiers: ClinVar variation 3029265 (VCV003029265.2), dbSNP rs2494722339, ClinGen allele CA472334851.